The following is an entry in ClinVar:

ClinVar aggregate classification (germline): Uncertain significance (1 of 4 stars; one submission).

Conditions:
POLD1-related polyposis and colorectal cancer syndrome (CRCS10). Also called: Colorectal cancer 10; COLORECTAL CANCER, SUSCEPTIBILITY TO, ON CHROMOSOME 19q; Colorectal cancer, susceptibility to, 10. Identifiers: Orphanet 220460, MedGen C2675481, MONDO:0012953, OMIM 612591.

Submission:

Labcorp Genetics (formerly Invitae), Labcorp
Classification: Uncertain significance for POLD1-related polyposis and colorectal cancer syndrome. Last evaluated: 2022-10-16. Review status: criteria provided, single submitter. Criteria: Invitae Variant Classification Sherloc (09022015). Collection method: clinical testing. Allele origin: germline.
Comment: In summary, the available evidence is currently insufficient to determine the role of this variant in disease. Therefore, it has been classified as a Variant of Uncertain Significance. ClinVar contains an entry for this variant (Variation ID: 1036900). This variant has not been reported in the literature in individuals affected with POLD1-related conditions. This variant is not present in population databases (gnomAD no frequency). This sequence change creates a premature translational stop signal (p.Ile172Aspfs*82) in the POLD1 gene. Missense variants that disrupt the 3'-5' exonuclease (proof-reading) activity of the POLD1 protein are associated with PPAP (polymerase proofreading–associated polyposis) (PMID: 23263490, 23447401). However, loss-of-function variants that result in an absent or severely disrupted POLD1 protein, and missense variants outside the exonuclease domain, are unlikely to be associated with PPAP.

Literature cited by the submitters: PubMed 23263490; PubMed 23447401.

NM_002691.4(POLD1):c.512_513insTGATGGC (p.Ile172fs)

Gene: POLD1 (DNA polymerase delta 1, catalytic subunit; plus strand). Cytogenetic location: 19q13.33.
Variant type: Insertion.
Coding change: c.512_513insTGATGGC on transcript NM_002691.4 (MANE Select); coding-DNA positions 512 to 513, TGATGGC inserted.
Protein change: p.Ile172fs; shifts the reading frame from isoleucine 172.
Molecular consequence: frameshift variant. On other transcripts: non-coding transcript variant (1).
Genome position: GRCh38 VCF-style: chr19-50402043-T-TTGGCTGA. GRCh37 (hg19) VCF-style: chr19-50905300-T-TTGGCTGA.
Other names: c.512_513insTGATGGC, p.Ile172fs (NM_001256849.1, NM_001308632.1); short protein forms I172fs.
Identifiers: ClinVar variation 1036900 (VCV001036900.8), dbSNP rs2038660307, ClinGen allele CA2340882566.
Genomic context (GRCh38, chr19:50,402,043, plus strand): 5'-ATCCCTCCCACACCAGGTTTCGGGCCCGAGCACATGGGTGACCTGCAACGGGAGCTGAAC[T>TTGGCTGA]TGGCCATCAGCCGGGACAGTCGCGGGGGGAGGGAGCTGACTGGGCCGGCCGTGCTGGCTG-3'